The following is an entry in ClinVar:

ClinVar aggregate classification (germline): Pathogenic (1 of 4 stars; one submission).

Submission:

CeGaT Center for Human Genetics Tuebingen
Classification: Pathogenic. Last evaluated: 2026-02-01. Review status: criteria provided, single submitter. Criteria: CeGaT Center For Human Genetics Tuebingen Variant Classification Criteria Version 2. Collection method: clinical testing. Allele origin: germline. Affected: yes. Observed: 1 variant allele.
Comment: NIPBL: PVS1, PM2, PS2:Moderate

NM_133433.4(NIPBL):c.3023del (p.Leu1008fs)

Gene: NIPBL (NIPBL cohesin loading factor; plus strand). Cytogenetic location: 5p13.2.
Variant type: Deletion.
Coding change: c.3023del on transcript NM_133433.4 (MANE Select); coding-DNA position 3023, one base deleted (T; older notation c.3023delT).
Protein change: p.Leu1008fs; shifts the reading frame from leucine 1008.
Molecular consequence: frameshift variant.
Genome position (GRCh38, 1-based): chr5:36,986,203, T deleted. VCF-style (leftmost placement, unchanged base first): chr5-36986202-CT-C. GRCh37 (hg19) VCF-style: chr5-36986304-CT-C.
Other names: c.3023del, p.Leu1008fs (NM_001438586.1, NM_015384.5); short protein forms L1008fs.
Identifiers: ClinVar variation 4823354 (VCV004823354.4).